The following is an entry in ClinVar:

NM_012186.3(FOXE3):c.243C>T (p.Ala81=)

Genes: FOXE3 (forkhead box E3; plus strand), LINC01389 (long independently transcribed non-coding RNA 1389; minus strand). Cytogenetic location: 1p33.
Variant type: single nucleotide variant.
Coding change: c.243C>T on transcript NM_012186.3 (MANE Select); coding-DNA position 243, C replaced by T.
Protein change: p.Ala81=; no amino-acid change (alanine 81 retained).
Molecular consequence: synonymous variant.
Genome position (GRCh38, 1-based): chr1:47,416,558, C>T. VCF-style: chr1-47416558-C-T. GRCh37 (hg19) VCF-style: chr1-47882230-C-T.
Identifiers: ClinVar variation 3748446 (VCV003748446.2).

ClinVar aggregate classification (germline): Uncertain significance (1 of 4 stars; one submission).

Conditions:
Congenital primary aphakia. Also called: Anterior segment dysgenesis 2, multiple subtypes; ANTERIOR SEGMENT DYSGENESIS 2. Identifiers: Orphanet 83461, MedGen C1853230, MONDO:0012456, OMIM 610256.
Anterior segment dysgenesis. Also called: Ocular anterior segment dysgenesis. Identifiers: Orphanet 88632, MedGen C1862839, MONDO:0019503, HP:0007700.

Submission:

Labcorp Genetics (formerly Invitae), Labcorp
Classification: Uncertain significance for Anterior segment dysgenesis; Congenital primary aphakia. Last evaluated: 2025-03-06. Review status: criteria provided, single submitter. Criteria: Invitae Variant Classification Sherloc (09022015). Collection method: clinical testing. Allele origin: germline.
Comment: This sequence change affects codon 81 of the FOXE3 mRNA. It is a 'silent' change, meaning that it does not change the encoded amino acid sequence of the FOXE3 protein. This variant is not present in population databases (gnomAD no frequency). This variant has not been reported in the literature in individuals affected with FOXE3-related conditions. In summary, the available evidence is currently insufficient to determine the role of this variant in disease. Therefore, it has been classified as a Variant of Uncertain Significance.